The following is an entry in ClinVar:

NM_033118.4(MYLK2):c.866A>C (p.Glu289Ala)

Gene: MYLK2 (myosin light chain kinase 2; plus strand). Cytogenetic location: 20q11.21.
Variant type: single nucleotide variant.
Coding change: c.866A>C on transcript NM_033118.4 (MANE Select); coding-DNA position 866, A replaced by C.
Protein change: p.Glu289Ala; replaces glutamic acid 289 with alanine.
Molecular consequence: missense variant.
Genome position (GRCh38, 1-based): chr20:31,823,570, A>C. VCF-style: chr20-31823570-A-C. GRCh37 (hg19) VCF-style: chr20-30411373-A-C.
Other names: short protein forms E289A.
Identifiers: ClinVar variation 2726041 (VCV002726041.4), dbSNP rs2062262635, ClinGen allele CA408526554.

ClinVar aggregate classification (germline): Uncertain significance. Review status: criteria provided, multiple submitters, no conflicts (2 of 4 stars). 2 submissions from 2 submitters: Uncertain significance (2). Last evaluated 2025-10-01.

Conditions:
Hypertrophic cardiomyopathy 1 (CMH1). Also called: Familial hypertrophic cardiomyopathy 1; MYH7-Related Familial Hypertrophic Cardiomyopathy. Identifiers: MedGen C3495498, MONDO:0008647, OMIM 192600.

Allele frequency attached by ClinVar (database versions not stated): gnomAD exomes below 0.00001; gnomAD 0.00001.
gnomAD v4.1: 6 of 1,613,760 alleles (0.00037%); highest among the groups gnomAD compares: Non-Finnish European, 0.00051%; no homozygotes.

Submissions (2):

Ambry Genetics
Classification: Uncertain significance. Last evaluated: 2025-10-01. Review status: criteria provided, single submitter. Criteria: Ambry Variant Classification Scheme 2023. Collection method: clinical testing. Allele origin: germline.

Labcorp Genetics (formerly Invitae), Labcorp
Classification: Uncertain significance for Hypertrophic cardiomyopathy 1. Last evaluated: 2023-04-28. Review status: criteria provided, single submitter. Criteria: Invitae Variant Classification Sherloc (09022015). Collection method: clinical testing. Allele origin: germline.
Comment: In summary, the available evidence is currently insufficient to determine the role of this variant in disease. Therefore, it has been classified as a Variant of Uncertain Significance. Advanced modeling of protein sequence and biophysical properties (such as structural, functional, and spatial information, amino acid conservation, physicochemical variation, residue mobility, and thermodynamic stability) performed at Invitae indicates that this missense variant is not expected to disrupt MYLK2 protein function. This variant has not been reported in the literature in individuals affected with MYLK2-related conditions. This variant is not present in population databases (gnomAD no frequency). This sequence change replaces glutamic acid, which is acidic and polar, with alanine, which is neutral and non-polar, at codon 289 of the MYLK2 protein (p.Glu289Ala).